The following is an entry in ClinVar:

ClinVar aggregate classification (germline): Uncertain significance (1 of 4 stars; one submission).

Allele frequency attached by ClinVar (database versions not stated): gnomAD exomes below 0.00001; gnomAD 0.00002; TOPMed 0.00003.
gnomAD v4.1: 6 of 1,614,064 alleles (0.00037%); highest among the groups gnomAD compares: African/African-American, 0.0067%; no homozygotes.

Submission:

Labcorp Genetics (formerly Invitae), Labcorp
Classification: Uncertain significance. Last evaluated: 2022-04-04. Review status: criteria provided, single submitter. Criteria: Invitae Variant Classification Sherloc (09022015). Collection method: clinical testing. Allele origin: germline.
Comment: This sequence change replaces glutamine, which is neutral and polar, with proline, which is neutral and non-polar, at codon 106 of the HPS5 protein (p.Gln106Pro). This variant is not present in population databases (gnomAD no frequency). This variant has not been reported in the literature in individuals affected with HPS5-related conditions. Algorithms developed to predict the effect of missense changes on protein structure and function are either unavailable or do not agree on the potential impact of this missense change (SIFT: "Tolerated"; PolyPhen-2: "Probably Damaging"; Align-GVGD: "Class C0"). In summary, the available evidence is currently insufficient to determine the role of this variant in disease. Therefore, it has been classified as a Variant of Uncertain Significance.

NM_181507.2(HPS5):c.317A>C (p.Gln106Pro)

Genes: HPS5 (HPS5 biogenesis of lysosomal organelles complex 2 subunit 2; minus strand), LOC130005404 (ATAC-STARR-seq lymphoblastoid active region 4495; plus strand). Cytogenetic location: 11p15.1.
Variant type: single nucleotide variant.
Coding change: c.317A>C on transcript NM_181507.2 (MANE Select); coding-DNA position 317, A replaced by C.
Protein change: p.Gln106Pro; replaces glutamine 106 with proline.
Molecular consequence: missense variant. On other transcripts: 5 prime UTR variant (1).
Genome position (GRCh38, 1-based): chr11:18,310,901, T>G on the plus strand (A>C on the coding strand, the complement: HPS5 is on the minus strand). VCF-style: chr11-18310901-T-G. GRCh37 (hg19) VCF-style: chr11-18332448-T-G.
Other names: c.-26A>C (NM_007216.4, NM_181508.2); short protein forms Q106P.
Identifiers: ClinVar variation 1938259 (VCV001938259.2), dbSNP rs1401021489, ClinGen allele CA379506514.
Genomic context (GRCh38, chr11:18,310,901, plus strand): 5'-ACTCTTCGGCCTTTGTGTTCTGAAGACACATACATTTGTTCCGGTTTCCCACGACGCTCT[T>G]GATTTAATTCCCAAACAACCACAAGACCTTGACTGCAAGAATTGAGTCACAGAGGCAAAC-3'
Protein context (NP_852608.1, residues 96-116): QGLVVVWELN[Gln106Pro]ERRGKPEQMY